The following is an entry in ClinVar:

NM_000318.3(PEX2):c.481G>A (p.Gly161Arg)

Gene: PEX2 (peroxisomal biogenesis factor 2; minus strand). Cytogenetic location: 8q21.13.
Variant type: single nucleotide variant.
Coding change: c.481G>A on transcript NM_000318.3 (MANE Select); coding-DNA position 481, G replaced by A.
Protein change: p.Gly161Arg; replaces glycine 161 with arginine.
Molecular consequence: missense variant.
Genome position (GRCh38, 1-based): chr8:76,983,698, C>T on the plus strand (G>A on the coding strand, the complement: PEX2 is on the minus strand). VCF-style: chr8-76983698-C-T. GRCh37 (hg19) VCF-style: chr8-77895934-C-T.
Other names: c.481G>A, p.Gly161Arg (NM_001079867.2, NM_001172086.2, NM_001172087.2); short protein forms G161R.
Identifiers: ClinVar variation 1501850 (VCV001501850.8), dbSNP rs377669414, ClinGen allele CA4788700.

ClinVar aggregate classification (germline): Uncertain significance (1 of 4 stars; one submission).

Conditions:
Peroxisome biogenesis disorder 5A (Zellweger) (PBD5A). Identifiers: Orphanet 912, MedGen C3553940, MONDO:0013932, OMIM 614866.

Allele frequency attached by ClinVar (database versions not stated): gnomAD exomes below 0.00001 and 0.00001; ExAC 0.00001; gnomAD 0.00001; TOPMed 0.00002; ESP Exome Variant Server 0.00008.
gnomAD v4.1: 4 of 1,613,902 alleles (0.00025%); highest among the groups gnomAD compares: African/African-American, 0.004%; no homozygotes.

Submission:

Labcorp Genetics (formerly Invitae), Labcorp
Classification: Uncertain significance for Peroxisome biogenesis disorder 5A (Zellweger). Last evaluated: 2024-12-02. Review status: criteria provided, single submitter. Criteria: Invitae Variant Classification Sherloc (09022015). Collection method: clinical testing. Allele origin: germline.
Comment: This sequence change replaces glycine, which is neutral and non-polar, with arginine, which is basic and polar, at codon 161 of the PEX2 protein (p.Gly161Arg). This variant is present in population databases (rs377669414, gnomAD 0.008%). This variant has not been reported in the literature in individuals affected with PEX2-related conditions. ClinVar contains an entry for this variant (Variation ID: 1501850). Invitae Evidence Modeling of protein sequence and biophysical properties (such as structural, functional, and spatial information, amino acid conservation, physicochemical variation, residue mobility, and thermodynamic stability) indicates that this missense variant is expected to disrupt PEX2 protein function with a positive predictive value of 80%. In summary, the available evidence is currently insufficient to determine the role of this variant in disease. Therefore, it has been classified as a Variant of Uncertain Significance.